The following is an entry in ClinVar:

ClinVar aggregate classification (germline): Uncertain significance (1 of 4 stars; one submission).

Submission:

Labcorp Genetics (formerly Invitae), Labcorp
Classification: Uncertain significance. Last evaluated: 2025-07-24. Review status: criteria provided, single submitter. Criteria: Invitae Variant Classification Sherloc (09022015). Collection method: clinical testing. Allele origin: germline.
Comment: This sequence change replaces phenylalanine, which is neutral and non-polar, with cysteine, which is neutral and slightly polar, at codon 42 of the ATP5D protein (p.Phe42Cys). The frequency data for this variant in the population databases is considered unreliable, as metrics indicate poor data quality at this position in the gnomAD database. This variant has not been reported in the literature in individuals affected with ATP5D-related conditions. An algorithm developed to predict the effect of missense changes on protein structure and function (PolyPhen-2) suggests that this variant is likely to be disruptive. In summary, the available evidence is currently insufficient to determine the role of this variant in disease. Therefore, it has been classified as a Variant of Uncertain Significance.

NM_001687.5(ATP5F1D):c.125T>G (p.Phe42Cys)

Genes: ATP5F1D (ATP synthase F1 subunit delta; plus strand), LOC130062903 (ATAC-STARR-seq lymphoblastoid silent region 9673; plus strand). Cytogenetic location: 19p13.3.
Variant type: single nucleotide variant.
Coding change: c.125T>G on transcript NM_001687.5 (MANE Select); coding-DNA position 125, T replaced by G.
Protein change: p.Phe42Cys; replaces phenylalanine 42 with cysteine.
Molecular consequence: missense variant.
Genome position (GRCh38, 1-based): chr19:1,241,975, T>G. VCF-style: chr19-1241975-T-G. GRCh37 (hg19) VCF-style: chr19-1241974-T-G.
Other names: c.125T>G, p.Phe42Cys (NM_001001975.2); short protein forms F42C.
Identifiers: ClinVar variation 4698963 (VCV004698963.1).